The following is an entry in ClinVar:

NM_001365088.1(SLC12A6):c.2452del (p.Met818fs)

Genes: SLC12A6 (solute carrier family 12 member 6; minus strand), LOC126862097 (P300/CBP strongly-dependent group 1 enhancer GRCh37_chr15:34531007-34532206; plus strand). Cytogenetic location: 15q14.
Variant type: Deletion.
Coding change: c.2452del on transcript NM_001365088.1 (MANE Select); coding-DNA position 2452, one base deleted (A; older notation c.2452delA).
Protein change: p.Met818fs; shifts the reading frame from methionine 818.
Molecular consequence: frameshift variant.
Genome position (GRCh38, 1-based): chr15:34,239,145, T deleted on the plus strand (A on the coding strand, the reverse complement: SLC12A6 is on the minus strand); the first of 2 consecutive T bases (chr15:34,239,145-34,239,146); deleting either gives the same sequence. VCF-style (leftmost placement, unchanged base first): chr15-34239144-AT-A. GRCh37 (hg19) VCF-style: chr15-34531345-AT-A.
Other names: c.2275del, p.Met759fs (NM_001042494.2, NM_001042495.2); c.2425del, p.Met809fs (NM_001042496.2); c.2407del, p.Met803fs (NM_001042497.2); c.2299del, p.Met767fs (NM_005135.2); c.2452del, p.Met818fs (NM_133647.2); short protein forms M759fs, M767fs, M803fs, M809fs, M818fs.
Identifiers: ClinVar variation 1725639 (VCV001725639.2), dbSNP rs2509756420, ClinGen allele CA2580089282.

ClinVar aggregate classification (germline): Likely pathogenic (1 of 4 stars; one submission).

Conditions:
Agenesis of the corpus callosum with peripheral neuropathy (ACCPN). Also called: CHARLEVOIX DISEASE; POLYNEUROPATHY, SENSORIMOTOR, WITH OR WITHOUT AGENESIS OF THE CORPUS CALLOSUM; HMSN/ACC; Hereditary Motor and Sensory Neuropathy with Agenesis of the Corpus Callosum. Identifiers: Orphanet 1496, MedGen C0795950, MONDO:0000902, OMIM 218000. Disease mechanism: loss of function.

Submission:

Myriad Genetics, Inc.
Classification: Likely pathogenic for Agenesis of the corpus callosum with peripheral neuropathy. Last evaluated: 2022-03-30. Review status: criteria provided, single submitter. Criteria: Myriad Women's Health Autosomal Recessive and X-Linked Classification Criteria (2021). Collection method: clinical testing. Allele origin: unknown.
Comment: NM_133647.1(SLC12A6):c.2452delA(M818Wfs*6) is expected to be pathogenic in the context of Andermann syndrome. This variant is predicted to lead to an abnormal or absent protein product due to the creation of a premature termination codon in SLC12A6, a gene where loss-of-function variants are known to be pathogenic. Please note: this variant was assessed in the context of healthy population screening.